The following is an entry in ClinVar:

NM_000687.4(AHCY):c.1132A>T (p.Lys378Ter)

Gene: AHCY (adenosylhomocysteinase; minus strand). Cytogenetic location: 20q11.22.
Variant type: single nucleotide variant.
Coding change: c.1132A>T on transcript NM_000687.4 (MANE Select); coding-DNA position 1132, A replaced by T.
Protein change: p.Lys378Ter; replaces lysine 378 with a stop codon.
Molecular consequence: nonsense.
Genome position (GRCh38, 1-based): chr20:34,285,475, T>A on the plus strand (A>T on the coding strand, the complement: AHCY is on the minus strand). VCF-style: chr20-34285475-T-A. GRCh37 (hg19) VCF-style: chr20-32873281-T-A.
Other names: c.1048A>T, p.Lys350Ter (NM_001322084.2, NM_001322085.2, NM_001161766.2); c.1138A>T, p.Lys380Ter (NM_001322086.2); c.1132A>T, p.Lys378Ter (NM_001362750.2); short protein forms K350*, K378*, K380*.
Identifiers: ClinVar variation 5041507 (VCV005041507.1).

ClinVar aggregate classification (germline): Likely pathogenic (1 of 4 stars; one submission).

Submission:

CeGaT Center for Human Genetics Tuebingen
Classification: Likely pathogenic. Last evaluated: 2026-09-01. Review status: criteria provided, single submitter. Criteria: CeGaT Center For Human Genetics Tuebingen Variant Classification Criteria Version 2. Collection method: clinical testing. Allele origin: germline. Affected: yes. Observed: 1 variant allele.
Comment: AHCY: PVS1:Strong, PM2